The following is an entry in ClinVar:

NM_001356.5(DDX3X):c.1616-10A>G

Gene: DDX3X (DEAD-box helicase 3 X-linked; plus strand). Cytogenetic location: Xp11.4.
Variant type: single nucleotide variant.
Coding change: c.1616-10A>G on transcript NM_001356.5 (MANE Select); 10 bases into the intron before coding-DNA position 1616, A replaced by G.
Molecular consequence: intron variant.
Genome position (GRCh38, 1-based): chrX:41,346,849, A>G. VCF-style: chrX-41346849-A-G. GRCh37 (hg19) VCF-style: chrX-41206102-A-G.
Other names: c.1616-10A>G (NM_001193416.3); c.1568-10A>G (NM_001193417.3); c.1058-10A>G (NM_001363819.1).
Identifiers: ClinVar variation 2662386 (VCV002662386.1), dbSNP rs2519525333, ClinGen allele CA2695200186.
Genomic context (GRCh38, chrX:41,346,849, plus strand): 5'-AAAGTAAGAATAGTAGCAAGTTACTTTATGGAAGACCTTTGTTTATATACTTTTTTGGGA[A>G]CTCTTTTAGGCCTGGCAACCTCATTCTTTAACGAGAGGAACATAAATATTACTAAGGATT-3'

ClinVar aggregate classification (germline): Uncertain significance (1 of 4 stars; one submission).

Submission:

GeneDx
Classification: Uncertain significance. Last evaluated: 2023-05-18. Review status: criteria provided, single submitter. Criteria: GeneDx Variant Classification Process June 2021. Collection method: clinical testing. Allele origin: germline. Affected: yes.
Comment: Not observed at significant frequency in large population cohorts (gnomAD); In silico analysis supports a deleterious effect on splicing; Has not been previously published as pathogenic or benign to our knowledge